The following is an entry in ClinVar:

ClinVar aggregate classification (germline): Pathogenic (1 of 4 stars; one submission).

Conditions:
Familial cancer of breast. Also called: BREAST CANCER, FAMILIAL; Hereditary breast cancer; hereditary breast carcinoma. Identifiers: Orphanet 227535, MedGen C0346153, MONDO:0016419, OMIM 114480. Disease mechanism: loss of function.

Submission:

Myriad Genetics, Inc.
Classification: Pathogenic for Familial cancer of breast. Last evaluated: 2024-01-23. Review status: criteria provided, single submitter. Criteria: Myriad Autosomal Dominant, Autosomal Recessive and X-Linked Classification Criteria (2023). Collection method: clinical testing. Allele origin: unknown.
Comment: This variant is considered pathogenic. This variant creates a termination codon and is predicted to result in premature protein truncation.

NM_000051.4(ATM):c.4299_4300del (p.Tyr1433_Lys1434delinsTer)

Gene: ATM (ATM serine/threonine kinase; plus strand). Cytogenetic location: 11q22.3.
Variant type: Microsatellite.
Coding change: c.4299_4300del on transcript NM_000051.4 (MANE Select); coding-DNA positions 4299 to 4300, 2 bases deleted (TA; older notation c.4299_4300delTA).
Protein change: p.Tyr1433_Lys1434delinsTer.
Molecular consequence: nonsense.
Genome position (GRCh38, 1-based): chr11:108,289,664-108,289,665, TA deleted; deleting any 2 consecutive bases within chr11:108,289,662-108,289,665 gives the same sequence; the c. name uses the placement nearest the transcript's 3' end. VCF-style (leftmost placement, unchanged base first): chr11-108289661-TTA-T. GRCh37 (hg19) VCF-style: chr11-108160388-TTA-T.
Other names: c.4299_4300del, p.Tyr1433_Lys1434delinsTer (NM_001351834.2).
Identifiers: ClinVar variation 3148593 (VCV003148593.1), dbSNP rs2546909104, ClinGen allele CA2825001845.